The following is an entry in ClinVar:

ClinVar aggregate classification (germline): Uncertain significance. Review status: criteria provided, multiple submitters, no conflicts (2 of 4 stars). 2 submissions from 2 submitters: Uncertain significance (2). Last evaluated 2025-04-07.

Conditions:
Drash syndrome (DDS). Also called: WILMS TUMOR AND PSEUDO- OR TRUE HERMAPHRODITISM; NEPHROPATHY, WILMS TUMOR, AND GENITAL ANOMALIES. Identifiers: Orphanet 220, MedGen C0950121, MONDO:0008682, OMIM 194080.
Frasier syndrome. Identifiers: Orphanet 347, MedGen C0950122, MeSH D052159, MONDO:0007635, OMIM 136680.
Wilms tumor 1 (WT1). Also called: Wilms tumor, somatic. Identifiers: Orphanet 654, MedGen CN033288, MONDO:0008679, OMIM 194070.
11p partial monosomy syndrome (WAGR). Also called: WAGR Complex; CHROMOSOME 11p13 DELETION SYNDROME; WAGR Spectrum Disorder; WAGR syndrome. Identifiers: Orphanet 893, MedGen C0206115, MONDO:0008681, OMIM 194072.
Inborn genetic diseases. Identifiers: MedGen C0950123, MeSH D030342.

Submissions (2):

Ambry Genetics
Classification: Uncertain significance for Inborn genetic diseases. Last evaluated: 2025-04-07. Review status: criteria provided, single submitter. Criteria: Ambry Variant Classification Scheme 2023. Collection method: clinical testing. Allele origin: germline.
Comment: The p.Q27K variant (also known as c.79C>A), located in coding exon 1 of the WT1 gene, results from a C to A substitution at nucleotide position 79. The glutamine at codon 27 is replaced by lysine, an amino acid with similar properties. This amino acid position is conserved. In addition, this alteration is predicted to be tolerated by in silico analysis. Based on the available evidence, the clinical significance of this variant remains unclear.

Labcorp Genetics (formerly Invitae), Labcorp
Classification: Uncertain significance for Wilms tumor 1; Drash syndrome; 11p partial monosomy syndrome; Frasier syndrome. Last evaluated: 2022-07-29. Review status: criteria provided, single submitter. Criteria: Invitae Variant Classification Sherloc (09022015). Collection method: clinical testing. Allele origin: germline.
Comment: This sequence change replaces glutamine, which is neutral and polar, with lysine, which is basic and polar, at codon 27 of the WT1 protein (p.Gln27Lys). This variant is not present in population databases (gnomAD no frequency). This variant has not been reported in the literature in individuals affected with WT1-related conditions. Algorithms developed to predict the effect of missense changes on protein structure and function are either unavailable or do not agree on the potential impact of this missense change (SIFT: "Deleterious"; PolyPhen-2: "Benign"; Align-GVGD: "Class C0"). In summary, the available evidence is currently insufficient to determine the role of this variant in disease. Therefore, it has been classified as a Variant of Uncertain Significance.

NM_024426.6(WT1):c.94C>A (p.Gln32Lys)

Genes: WT1 (WT1 transcription factor; minus strand), LOC107982234 (WT1/WT1-AS bi-directional promoter region; plus strand). Cytogenetic location: 11p13.
Variant type: single nucleotide variant.
Coding change: c.94C>A on transcript NM_024426.6 (MANE Select); coding-DNA position 94, C replaced by A.
Protein change: p.Gln32Lys; replaces glutamine 32 with lysine.
Molecular consequence: missense variant. On other transcripts: non-coding transcript variant (1).
Genome position (GRCh38, 1-based): chr11:32,435,267, G>T on the plus strand (C>A on the coding strand, the complement: WT1 is on the minus strand). VCF-style: chr11-32435267-G-T. GRCh37 (hg19) VCF-style: chr11-32456813-G-T.
Other names: c.79C>A (NM_024426.4); c.94C>A, p.Gln32Lys (NM_000378.6, NM_001407044.1, NM_001407045.1 and 6 more transcripts); c.79C>A, p.Gln27Lys (NM_024425.2); short protein forms Q27K, Q32K.
Identifiers: ClinVar variation 1905171 (VCV001905171.6), dbSNP rs2133107336, ClinGen allele CA379966401.